The following is an entry in ClinVar:

NM_002458.3(MUC5B):c.13784C>G (p.Thr4595Ser)

Gene: MUC5B (mucin 5B, oligomeric mucus/gel-forming; plus strand). Cytogenetic location: 11p15.5.
Variant type: single nucleotide variant.
Coding change: c.13784C>G on transcript NM_002458.3 (MANE Select); coding-DNA position 13784, C replaced by G.
Protein change: p.Thr4595Ser; replaces threonine 4595 with serine.
Molecular consequence: missense variant.
Genome position (GRCh38, 1-based): chr11:1,250,664, C>G. VCF-style: chr11-1250664-C-G. GRCh37 (hg19) VCF-style: chr11-1271894-C-G.
Other names: short protein forms T4595S.
Identifiers: ClinVar variation 2641302 (VCV002641302.24), dbSNP rs200422772, ClinGen allele CA5808424.
Genomic context (GRCh38, chr11:1,250,664, plus strand): 5'-CCGGCTCTGTGGCCACCCCCTCCTCCACCCCAGGAACAGCTCACACTACCAAAGTGCCGA[C>G]TACCACAACCACGGGCTTCACAGCCACCCCCTCCTCCAGCCCAGGGACGGCACTCACGCC-3'
Protein context (NP_002449.2, residues 4585-4605): PGTAHTTKVP[Thr4595Ser]TTTTGFTATP

ClinVar aggregate classification (germline): Benign (1 of 4 stars; one submission).

Allele frequency attached by ClinVar (database versions not stated): ExAC 0.01078; 1000 Genomes Project 0.01158; 1000 Genomes Project 30x 0.01374; gnomAD 0.01763.

Submission:

CeGaT Center for Human Genetics Tuebingen
Classification: Benign. Last evaluated: 2024-04-01. Review status: criteria provided, single submitter. Criteria: CeGaT Center For Human Genetics Tuebingen Variant Classification Criteria Version 2. Collection method: clinical testing. Allele origin: germline. Affected: yes. Observed: 3 variant alleles.
Comment: MUC5B: BP4, BS1, BS2